The following is an entry in ClinVar:

NM_012203.2(GRHPR):c.781_782delinsTAC (p.Gly261fs)

Gene: GRHPR (glyoxylate and hydroxypyruvate reductase; plus strand). Cytogenetic location: 9p13.2.
Variant type: Indel.
Coding change: c.781_782delinsTAC on transcript NM_012203.2 (MANE Select); coding-DNA positions 781 to 782, GG replaced by TAC.
Protein change: p.Gly261fs; shifts the reading frame from glycine 261.
Molecular consequence: frameshift variant.
Genome position (GRCh38, 1-based): chr9:37,432,054-37,432,055, GG replaced by TAC. VCF-style: chr9-37432054-GG-TAC. GRCh37 (hg19) VCF-style: chr9-37432051-GG-TAC.
Other names: short protein forms G261fs.
Identifiers: ClinVar variation 551312 (VCV000551312.8), dbSNP rs1554748528, ClinGen allele CA658822476.

ClinVar aggregate classification (germline): Pathogenic/Likely pathogenic. Review status: criteria provided, multiple submitters, no conflicts (2 of 4 stars). 3 submissions from 3 submitters: Pathogenic (1); Likely pathogenic (1). 1 of the submissions does not count toward it. Last evaluated 2025-05-12.

Conditions:
Primary hyperoxaluria, type II (HP2). Also called: D-GLYCERATE DEHYDROGENASE DEFICIENCY; GLYCERIC ACIDURIA; GLYOXYLATE REDUCTASE/HYDROXYPYRUVATE REDUCTASE DEFICIENCY; OXALOSIS II; Primary hyperoxaluria type 2. Identifiers: Orphanet 416, Orphanet 93599, MedGen C0268165, MONDO:0009824, OMIM 260000. Disease mechanism: loss of function.

Submissions (3):

Natera, Inc.
Classification: Likely pathogenic for Primary hyperoxaluria type II. Last evaluated: 2025-05-12. Review status: criteria provided, single submitter. Criteria: Natera Variant Classification Schema (03/2026). Collection method: clinical testing. Allele origin: germline.
Comment: The c.781_782delGGinsTAC variant in GRHPR is a frameshift variant predicted to shift the reading frame beginning at codon 261 and leads to a stop codon 2 codons downstream. This variant is expected to result in nonsense mediated decay, truncation, or a dysfunctional protein product. This variant is rare in the general population with a frequency below the threshold expected for the associated phenotype(s). Given the available evidence, this variant is classified as Likely Pathogenic.

Labcorp Genetics (formerly Invitae), Labcorp
Classification: Pathogenic. Last evaluated: 2023-04-14. Review status: criteria provided, single submitter. Criteria: Invitae Variant Classification Sherloc (09022015). Collection method: clinical testing. Allele origin: germline.
Comment: This variant has not been reported in the literature in individuals affected with GRHPR-related conditions. For these reasons, this variant has been classified as Pathogenic. This variant is not present in population databases (gnomAD no frequency). This sequence change creates a premature translational stop signal (p.Gly261Tyrfs*2) in the GRHPR gene. It is expected to result in an absent or disrupted protein product. Loss-of-function variants in GRHPR are known to be pathogenic (PMID: 25644115).

Counsyl
Classification: Likely pathogenic for Primary hyperoxaluria, type II. Last evaluated: 2017-04-03. Review status: no assertion criteria provided. Collection method: clinical testing. Allele origin: unknown. Not counted in ClinVar's aggregate classification.

Literature cited by the submitters: PubMed 25644115 (cited by Labcorp Genetics (formerly Invitae), Labcorp).